The following is an entry in ClinVar:

ClinVar aggregate classification (germline): Conflicting classifications of pathogenicity. Review status: criteria provided, conflicting classifications (1 of 4 stars). 2 submissions from 2 submitters: Uncertain significance (1); Likely benign (1). Last evaluated 2023-03-23.

Conditions:
Hereditary breast ovarian cancer syndrome. Also called: Breast and ovarian cancer; Hereditary breast and ovarian cancer; Hereditary breast and/or ovarian cancer syndrome; BRCA1- and BRCA2-Associated Hereditary Breast and Ovarian Cancer; Hereditary breast and ovarian cancer syndrome; Hereditary breast and ovarian cancer syndrome (HBOC). Identifiers: Orphanet 145, MedGen C0677776, MeSH D061325, MONDO:0003582. Disease mechanism: loss of function.
Hereditary cancer-predisposing syndrome. Also called: Tumor predisposition; Hereditary neoplastic syndrome; Neoplastic Syndromes, Hereditary; Hereditary Cancer Syndrome. Identifiers: Orphanet 140162, MedGen C0027672, MeSH D009386, MONDO:0015356.

Submissions (2):

University of Washington Department of Laboratory Medicine, University of Washington
Classification: Likely benign for Hereditary cancer-predisposing syndrome. Last evaluated: 2023-03-23. Review status: criteria provided, single submitter. Criteria: Dines et al. (Genet Med. 2020). Collection method: curation. Allele origin: germline.
Comment: Missense variant in a coldspot region where missense variants are very unlikely to be pathogenic (PMID:31911673).

BRCA2 exon 11 coldspot. Reclassification based on statistical prior probability.

Labcorp Genetics (formerly Invitae), Labcorp
Classification: Uncertain significance for Hereditary breast ovarian cancer syndrome. Last evaluated: 2022-03-08. Review status: criteria provided, single submitter. Criteria: Invitae Variant Classification Sherloc (09022015). Collection method: clinical testing. Allele origin: germline.
Comment: This sequence change replaces histidine, which is basic and polar, with glutamine, which is neutral and polar, at codon 2093 of the BRCA2 protein (p.His2093Gln). This variant is not present in population databases (gnomAD no frequency). This variant has not been reported in the literature in individuals affected with BRCA2-related conditions. ClinVar contains an entry for this variant (Variation ID: 845554). Advanced modeling of protein sequence and biophysical properties (such as structural, functional, and spatial information, amino acid conservation, physicochemical variation, residue mobility, and thermodynamic stability) performed at Invitae indicates that this missense variant is not expected to disrupt BRCA2 protein function. In summary, the available evidence is currently insufficient to determine the role of this variant in disease. Therefore, it has been classified as a Variant of Uncertain Significance.

NM_000059.4(BRCA2):c.6279C>G (p.His2093Gln)

Gene: BRCA2 (BRCA2 DNA repair associated; plus strand). Cytogenetic location: 13q13.1.
Variant type: single nucleotide variant.
Coding change: c.6279C>G on transcript NM_000059.4 (MANE Select); coding-DNA position 6279, C replaced by G.
Protein change: p.His2093Gln; replaces histidine 2093 with glutamine.
Molecular consequence: missense variant.
Genome position (GRCh38, 1-based): chr13:32,340,634, C>G. VCF-style: chr13-32340634-C-G. GRCh37 (hg19) VCF-style: chr13-32914771-C-G.
Other names: short protein forms H2093Q.
Identifiers: ClinVar variation 845554 (VCV000845554.11), dbSNP rs1566234239, ClinGen allele CA387788988.